The following is an entry in ClinVar:

NM_030780.5(SLC25A32):c.331A>G (p.Thr111Ala)

Gene: SLC25A32 (solute carrier family 25 member 32; minus strand). Cytogenetic location: 8q22.3.
Variant type: single nucleotide variant.
Coding change: c.331A>G on transcript NM_030780.5 (MANE Select); coding-DNA position 331, A replaced by G.
Protein change: p.Thr111Ala; replaces threonine 111 with alanine.
Molecular consequence: missense variant. On other transcripts: non-coding transcript variant (1).
Genome position (GRCh38, 1-based): chr8:103,404,836, T>C on the plus strand (A>G on the coding strand, the complement: SLC25A32 is on the minus strand). VCF-style: chr8-103404836-T-C. GRCh37 (hg19) VCF-style: chr8-104417064-T-C.
Other names: short protein forms T111A.
Identifiers: ClinVar variation 1523210 (VCV001523210.8), dbSNP rs760473256, ClinGen allele CA4835507.

ClinVar aggregate classification (germline): Uncertain significance (1 of 4 stars; one submission).

Allele frequency attached by ClinVar (database versions not stated): gnomAD 0.00001; gnomAD exomes 0.00001 and 0.00003; ExAC 0.00004.
gnomAD v4.1: 22 of 1,612,624 alleles (0.0014%); highest among the groups gnomAD compares: South Asian, 0.023%; no homozygotes.

Submission:

Labcorp Genetics (formerly Invitae), Labcorp
Classification: Uncertain significance. Last evaluated: 2022-06-04. Review status: criteria provided, single submitter. Criteria: Invitae Variant Classification Sherloc (09022015). Collection method: clinical testing. Allele origin: germline.
Comment: In summary, the available evidence is currently insufficient to determine the role of this variant in disease. Therefore, it has been classified as a Variant of Uncertain Significance. Algorithms developed to predict the effect of missense changes on protein structure and function (SIFT, PolyPhen-2, Align-GVGD) all suggest that this variant is likely to be tolerated. ClinVar contains an entry for this variant (Variation ID: 1523210). This variant has not been reported in the literature in individuals affected with SLC25A32-related conditions. This variant is present in population databases (rs760473256, gnomAD 0.03%). This sequence change replaces threonine, which is neutral and polar, with alanine, which is neutral and non-polar, at codon 111 of the SLC25A32 protein (p.Thr111Ala).